The following is an entry in ClinVar:

NM_000388.4(CASR):c.361G>C (p.Asp121His)

Gene: CASR (calcium sensing receptor; plus strand). Cytogenetic location: 3q21.1.
Variant type: single nucleotide variant.
Coding change: c.361G>C on transcript NM_000388.4 (MANE Select); coding-DNA position 361, G replaced by C.
Protein change: p.Asp121His; replaces aspartic acid 121 with histidine.
Molecular consequence: missense variant.
Genome position (GRCh38, 1-based): chr3:122,257,256, G>C. VCF-style: chr3-122257256-G-C. GRCh37 (hg19) VCF-style: chr3-121976103-G-C.
Other names: c.361G>C, p.Asp121His (NM_001178065.2); short protein forms D121H.
Identifiers: ClinVar variation 970654 (VCV000970654.10), dbSNP rs2074564785, ClinGen allele CA354362732.

ClinVar aggregate classification (germline): Uncertain significance (1 of 4 stars; one submission).

Conditions:
Familial hypocalciuric hypercalcemia (FHH). Also called: Familial benign hypercalcemia. Identifiers: Orphanet 405, MedGen C1809471, MONDO:0018458.
Autosomal dominant hypocalcemia 1 (HYPOC1). Also called: HYPOCALCEMIA, FAMILIAL. Identifiers: MedGen C3715128, MONDO:0011013, OMIM 601198.

Submission:

Labcorp Genetics (formerly Invitae), Labcorp
Classification: Uncertain significance for Familial hypocalciuric hypercalcemia; Autosomal dominant hypocalcemia 1. Last evaluated: 2019-11-13. Review status: criteria provided, single submitter. Criteria: Invitae Variant Classification Sherloc (09022015). Collection method: clinical testing. Allele origin: germline.
Comment: This sequence change replaces aspartic acid with histidine at codon 121 of the CASR protein (p.Asp121His). The aspartic acid residue is highly conserved and there is a moderate physicochemical difference between aspartic acid and histidine. This variant is not present in population databases (ExAC no frequency). This variant has not been reported in the literature in individuals with CASR-related conditions. Algorithms developed to predict the effect of missense changes on protein structure and function (SIFT, PolyPhen-2, Align-GVGD) all suggest that this variant is likely to be disruptive, but these predictions have not been confirmed by published functional studies and their clinical significance is uncertain. In summary, the available evidence is currently insufficient to determine the role of this variant in disease. Therefore, it has been classified as a Variant of Uncertain Significance.